The following is an entry in ClinVar:

ClinVar aggregate classification (germline): Uncertain significance (1 of 4 stars; one submission).

Submission:

Labcorp Genetics (formerly Invitae), Labcorp
Classification: Uncertain significance. Last evaluated: 2025-02-23. Review status: criteria provided, single submitter. Criteria: Invitae Variant Classification Sherloc (09022015). Collection method: clinical testing. Allele origin: germline.
Comment: This sequence change replaces arginine, which is basic and polar, with tryptophan, which is neutral and slightly polar, at codon 472 of the IL1RAPL1 protein (p.Arg472Trp). This variant is not present in population databases (gnomAD no frequency). This variant has not been reported in the literature in individuals affected with IL1RAPL1-related conditions. An algorithm developed to predict the effect of missense changes on protein structure and function (PolyPhen-2) suggests that this variant is likely to be disruptive. In summary, the available evidence is currently insufficient to determine the role of this variant in disease. Therefore, it has been classified as a Variant of Uncertain Significance.

NM_014271.4(IL1RAPL1):c.1414C>T (p.Arg472Trp)

Gene: IL1RAPL1 (interleukin 1 receptor accessory protein like 1; plus strand). Cytogenetic location: Xp21.2.
Variant type: single nucleotide variant.
Coding change: c.1414C>T on transcript NM_014271.4 (MANE Select); coding-DNA position 1414, C replaced by T.
Protein change: p.Arg472Trp; replaces arginine 472 with tryptophan.
Molecular consequence: missense variant.
Genome position (GRCh38, 1-based): chrX:29,955,143, C>T. VCF-style: chrX-29955143-C-T. GRCh37 (hg19) VCF-style: chrX-29973260-C-T.
Other names: short protein forms R472W.
Identifiers: ClinVar variation 4807876 (VCV004807876.1).
Genomic context (GRCh38, chrX:29,955,143, plus strand): 5'-ACTCTTTTATCTTTTGTAGCATACATTGAAGATGTGGCAAGATGTGTAGATCAAAGCAAG[C>T]GGCTGATTATTGTCATGACCCCAAATTACGTAGTTAGAAGGGGCTGGAGCATCTTTGAGC-3'
Protein context (NP_055086.1, residues 462-482): DVARCVDQSK[Arg472Trp]LIIVMTPNYV